The following is an entry in ClinVar:

ClinVar aggregate classification (germline): Uncertain significance (1 of 4 stars; one submission).

Conditions:
Jeune thoracic dystrophy. Also called: Jeune syndrome; Infantile thoracic dystrophy; Thoracic pelvic phalangeal dystrophy; Jeune's syndrome; Chondroectodermal dysplasia-like syndrome; Short-rib thoracic dysplasia. Identifiers: Orphanet 474, MedGen C0265275, MONDO:0018770.

Allele frequency attached by ClinVar (database versions not stated): gnomAD exomes below 0.00001.
gnomAD v4.1: 2 of 1,606,172 alleles (0.00012%); highest among the groups gnomAD compares: Non-Finnish European, 0.00017%; no homozygotes.

Submission:

Labcorp Genetics (formerly Invitae), Labcorp
Classification: Uncertain significance for Jeune thoracic dystrophy. Last evaluated: 2022-03-05. Review status: criteria provided, single submitter. Criteria: Invitae Variant Classification Sherloc (09022015). Collection method: clinical testing. Allele origin: germline.
Comment: This sequence change replaces tyrosine, which is neutral and polar, with cysteine, which is neutral and slightly polar, at codon 243 of the DYNC2H1 protein (p.Tyr243Cys). This variant is not present in population databases (gnomAD no frequency). This variant has not been reported in the literature in individuals affected with DYNC2H1-related conditions. Advanced modeling of protein sequence and biophysical properties (such as structural, functional, and spatial information, amino acid conservation, physicochemical variation, residue mobility, and thermodynamic stability) performed at Invitae indicates that this missense variant is not expected to disrupt DYNC2H1 protein function. In summary, the available evidence is currently insufficient to determine the role of this variant in disease. Therefore, it has been classified as a Variant of Uncertain Significance.

NM_001377.3(DYNC2H1):c.728A>G (p.Tyr243Cys)

Gene: DYNC2H1 (dynein cytoplasmic 2 heavy chain 1; plus strand). Cytogenetic location: 11q22.3.
Variant type: single nucleotide variant.
Coding change: c.728A>G on transcript NM_001377.3 (MANE Select); coding-DNA position 728, A replaced by G.
Protein change: p.Tyr243Cys; replaces tyrosine 243 with cysteine.
Molecular consequence: missense variant.
Genome position (GRCh38, 1-based): chr11:103,116,676, A>G. VCF-style: chr11-103116676-A-G. GRCh37 (hg19) VCF-style: chr11-102987405-A-G.
Other names: c.728A>G, p.Tyr243Cys (NM_001080463.2); short protein forms Y243C.
Identifiers: ClinVar variation 2107129 (VCV002107129.4), dbSNP rs1858416250, ClinGen allele CA382246640.
Genomic context (GRCh38, chr11:103,116,676, plus strand): 5'-TGGTGGAGACTACTCAGGATGTTGTAGATGATGTGTGGAGACAAACAGAACATGATCATT[A>G]TCCTGAGTCACGAATGTTGCATCTCTTAGACATCATAGGTACTAGTAAAAAAATGAACTT-3'
Protein context (NP_001368.2, residues 233-253): DVWRQTEHDH[Tyr243Cys]PESRMLHLLD